The following is an entry in ClinVar:

NM_001201543.2(FAM161A):c.1328C>T (p.Ser443Leu)

Gene: FAM161A (FAM161 centrosomal protein A; minus strand). Cytogenetic location: 2p15.
Variant type: single nucleotide variant.
Coding change: c.1328C>T on transcript NM_001201543.2 (MANE Select); coding-DNA position 1328, C replaced by T.
Protein change: p.Ser443Leu; replaces serine 443 with leucine.
Molecular consequence: missense variant. On other transcripts: non-coding transcript variant (1).
Genome position (GRCh38, 1-based): chr2:61,839,676, G>A on the plus strand (C>T on the coding strand, the complement: FAM161A is on the minus strand). VCF-style: chr2-61839676-G-A. GRCh37 (hg19) VCF-style: chr2-62066811-G-A.
Other names: c.1328C>T, p.Ser443Leu (NM_032180.3); c.1328C>T (NM_001201543.1); short protein forms S443L.
Identifiers: ClinVar variation 811992 (VCV000811992.13), dbSNP rs189711603, ClinGen allele CA1679174.

ClinVar aggregate classification (germline): Uncertain significance. Review status: criteria provided, multiple submitters, no conflicts (2 of 4 stars). 6 submissions from 6 submitters: Uncertain significance (5). 1 of the submissions does not count toward it. Last evaluated 2026-07-07.

Conditions:
FAM161A-related disorder. Also called: FAM161A-related condition.
Retinitis pigmentosa 28 (RP28). Identifiers: Orphanet 791, MedGen C1419614, MONDO:0011630, OMIM 606068.
Inborn genetic diseases. Identifiers: MedGen C0950123, MeSH D030342.
Retinitis pigmentosa (RP). Identifiers: Orphanet 791, MedGen C0035334, MeSH D012174, MONDO:0019200, OMIM 268000. Inheritance: Autosomal dominant, autosomal recessive and X linked inheritance.

Allele frequency attached by ClinVar (database versions not stated): gnomAD 0.00001; gnomAD exomes 0.00002 and 0.00003; TOPMed 0.00002; ExAC 0.00003; 1000 Genomes Project 0.00020; 1000 Genomes Project 30x 0.00031.
gnomAD v4.1: 11 of 1,614,210 alleles (0.00068%); highest among the groups gnomAD compares: Admixed American, 0.018%; no homozygotes.

Submissions (6):

PreventionGenetics, part of Exact Sciences
Classification: Uncertain significance for FAM161A-related condition. Last evaluated: 2026-07-07. Review status: criteria provided, single submitter. Criteria: ACMG Guidelines, 2015. Collection method: clinical testing. Allele origin: germline.
Comment: The FAM161A c.1328C>T variant is predicted to result in the amino acid substitution p.Ser443Leu. To our knowledge, this variant has not been reported in the literature. This variant is reported in 0.020% of alleles in individuals of Latino descent in gnomAD. At this time, the clinical significance of this variant is uncertain due to the absence of conclusive functional and genetic evidence.

Ambry Genetics
Classification: Uncertain significance for Inborn genetic diseases. Last evaluated: 2025-04-02. Review status: criteria provided, single submitter. Criteria: Ambry Variant Classification Scheme 2023. Collection method: clinical testing. Allele origin: germline.

Labcorp Genetics (formerly Invitae), Labcorp
Classification: Uncertain significance. Last evaluated: 2022-09-24. Review status: criteria provided, single submitter. Criteria: Invitae Variant Classification Sherloc (09022015). Collection method: clinical testing. Allele origin: germline.
Comment: This sequence change replaces serine, which is neutral and polar, with leucine, which is neutral and non-polar, at codon 443 of the FAM161A protein (p.Ser443Leu). This variant is present in population databases (rs189711603, gnomAD 0.03%). This variant has not been reported in the literature in individuals affected with FAM161A-related conditions. ClinVar contains an entry for this variant (Variation ID: 811992). Advanced modeling of protein sequence and biophysical properties (such as structural, functional, and spatial information, amino acid conservation, physicochemical variation, residue mobility, and thermodynamic stability) performed at Invitae indicates that this missense variant is not expected to disrupt FAM161A protein function. In summary, the available evidence is currently insufficient to determine the role of this variant in disease. Therefore, it has been classified as a Variant of Uncertain Significance.

ARUP Laboratories, Molecular Genetics and Genomics, ARUP Laboratories
Classification: Uncertain significance for Retinitis pigmentosa 28. Last evaluated: 2019-05-05. Review status: criteria provided, single submitter. Criteria: ARUP Molecular Germline Variant Investigation Process. Collection method: clinical testing. Allele origin: germline.
Comment: The FAM161A c.1328C>T; p.Ser443Leu variant (rs189711603), to our knowledge, is not reported in the medical literature or gene-specific databases. The variant is reported in the Latino population with an allele frequency of 0.02% (7/34524 alleles) in the Genome Aggregation Database. The amino acid at this position is moderately conserved and computational algorithms (PolyPhen-2, SIFT) predict this variant is tolerated. Although most pathogenic FAM161A variants are truncating (Bandah-Rozenfeld 2010), due to limited information, the clinical significance of this variant is uncertain. References: Bandah-Rozenfeld D et al. Homozygosity mapping reveals null mutations in FAM161A as a cause of autosomal-recessive retinitis pigmentosa. Am J Hum Genet. 2010 Sep 10;87(3):382-91.

Blueprint Genetics
Classification: Uncertain significance. Last evaluated: 2018-10-25. Review status: criteria provided, single submitter. Criteria: ACMG Guidelines, 2015. Collection method: clinical testing. Allele origin: germline.

Natera, Inc.
Classification: Uncertain significance for Retinitis pigmentosa. Last evaluated: 2020-09-16. Review status: no assertion criteria provided. Collection method: clinical testing. Allele origin: germline. Not counted in ClinVar's aggregate classification.